The following is an entry in ClinVar:

ClinVar aggregate classification (germline): Uncertain significance (1 of 4 stars; one submission).

Conditions:
Developmental and epileptic encephalopathy, 75. Also called: EPILEPTIC ENCEPHALOPATHY, EARLY INFANTILE, 75. Identifiers: MedGen C5193099, MONDO:0032752, OMIM 618437.

Submission:

Department of Genetics, Sultan Qaboos University Hospital
Classification: Uncertain significance for Developmental and epileptic encephalopathy, 75. Last evaluated: 2026-04-01. Review status: criteria provided, single submitter. Criteria: ACMG Guidelines, 2015. Collection method: clinical testing. Allele origin: germline. Affected: yes. Observed: 1 variant allele.
Comment: PM2_Supporting

NM_152268.4(PARS2):c.729G>T (p.Lys243Asn)

Gene: PARS2 (prolyl-tRNA synthetase 2, mitochondrial; minus strand). Cytogenetic location: 1p32.3.
Variant type: single nucleotide variant.
Coding change: c.729G>T on transcript NM_152268.4 (MANE Select); coding-DNA position 729, G replaced by T.
Protein change: p.Lys243Asn; replaces lysine 243 with asparagine.
Molecular consequence: missense variant.
Genome position (GRCh38, 1-based): chr1:54,758,433, C>A on the plus strand (G>T on the coding strand, the complement: PARS2 is on the minus strand). VCF-style: chr1-54758433-C-A. GRCh37 (hg19) VCF-style: chr1-55224106-C-A.
Other names: short protein forms K243N.
Identifiers: ClinVar variation 4852416 (VCV004852416.1).